The following is an entry in ClinVar:

NM_002582.4(PARN):c.514A>C (p.Thr172Pro)

Gene: PARN (poly(A)-specific ribonuclease; minus strand). Cytogenetic location: 16p13.12.
Variant type: single nucleotide variant.
Coding change: c.514A>C on transcript NM_002582.4 (MANE Select); coding-DNA position 514, A replaced by C.
Protein change: p.Thr172Pro; replaces threonine 172 with proline.
Molecular consequence: missense variant.
Genome position (GRCh38, 1-based): chr16:14,610,684, T>G on the plus strand (A>C on the coding strand, the complement: PARN is on the minus strand). VCF-style: chr16-14610684-T-G. GRCh37 (hg19) VCF-style: chr16-14704541-T-G.
Other names: c.331A>C, p.Thr111Pro (NM_001134477.3); c.376A>C, p.Thr126Pro (NM_001242992.2); short protein forms T111P, T126P, T172P.
Identifiers: ClinVar variation 3762091 (VCV003762091.2).
Genomic context (GRCh38, chr16:14,610,684, plus strand): 5'-GTTTTAATTTAGGAACTTACACCACTTGGTCAATAAACTTCTTTTGATCCTCAGGAATCG[T>G]GACAGGACATTTTGAAGTGTTAGGAGATACATAGGACAGAGCTCCTGCACCATTCGCCTG-3'
Protein context (NP_002573.1, residues 162-182): VSPNTSKCPV[Thr172Pro]IPEDQKKFID

ClinVar aggregate classification (germline): Uncertain significance (1 of 4 stars; one submission).

Conditions:
Dyskeratosis congenita, autosomal recessive 6 (DKCB6). Identifiers: MedGen C4225356, MONDO:0014600, OMIM 616353.
Pulmonary fibrosis and/or bone marrow failure, Telomere-related, 4. Also called: PULMONARY FIBROSIS AND/OR BONE MARROW FAILURE SYNDROME, TELOMERE-RELATED, 4. Identifiers: Orphanet 2032, MedGen C4225347, MONDO:0014612, OMIM 616371.

gnomAD v4.1: 3 of 1,611,352 alleles (0.00019%); highest among the groups gnomAD compares: African/African-American, 0.004%; no homozygotes.

Submission:

Labcorp Genetics (formerly Invitae), Labcorp
Classification: Uncertain significance for Dyskeratosis congenita, autosomal recessive 6; Pulmonary fibrosis and/or bone marrow failure, Telomere-related, 4. Last evaluated: 2024-04-25. Review status: criteria provided, single submitter. Criteria: Invitae Variant Classification Sherloc (09022015). Collection method: clinical testing. Allele origin: germline.
Comment: This sequence change replaces threonine, which is neutral and polar, with proline, which is neutral and non-polar, at codon 172 of the PARN protein (p.Thr172Pro). This variant is present in population databases (rs774129281, gnomAD 0.007%). This variant has not been reported in the literature in individuals affected with PARN-related conditions. Advanced modeling of protein sequence and biophysical properties (such as structural, functional, and spatial information, amino acid conservation, physicochemical variation, residue mobility, and thermodynamic stability) performed at Invitae indicates that this missense variant is not expected to disrupt PARN protein function with a negative predictive value of 80%. In summary, the available evidence is currently insufficient to determine the role of this variant in disease. Therefore, it has been classified as a Variant of Uncertain Significance.